The following is an entry in ClinVar:

NM_030665.4(RAI1):c.4385C>T (p.Pro1462Leu)

Gene: RAI1 (retinoic acid induced 1; plus strand). Cytogenetic location: 17p11.2.
Variant type: single nucleotide variant.
Coding change: c.4385C>T on transcript NM_030665.4 (MANE Select); coding-DNA position 4385, C replaced by T.
Protein change: p.Pro1462Leu; replaces proline 1462 with leucine.
Molecular consequence: missense variant.
Genome position (GRCh38, 1-based): chr17:17,797,333, C>T. VCF-style: chr17-17797333-C-T. GRCh37 (hg19) VCF-style: chr17-17700647-C-T.
Other names: c.4385C>T (NM_030665.3); short protein forms P1462L.
Identifiers: ClinVar variation 2059021 (VCV002059021.5), dbSNP rs886911867, ClinGen allele CA288371160.

ClinVar aggregate classification (germline): Uncertain significance. Review status: criteria provided, single submitter (1 of 4 stars). 2 submissions from 2 submitters: Uncertain significance (1). 1 of the submissions does not count toward it. Last evaluated 2025-11-24.

Conditions:
RAI1-related disorder. Also called: RAI1-related condition.

Allele frequency attached by ClinVar (database versions not stated): TOPMed below 0.00001; gnomAD exomes 0.00001; gnomAD 0.00002.
gnomAD v4.1: 20 of 1,612,226 alleles (0.0012%); highest among the groups gnomAD compares: East Asian, 0.0022%; no homozygotes.

Submissions (2):

Labcorp Genetics (formerly Invitae), Labcorp
Classification: Uncertain significance. Last evaluated: 2025-11-24. Review status: criteria provided, single submitter. Criteria: Invitae Variant Classification Sherloc (09022015). Collection method: clinical testing. Allele origin: germline.
Comment: This sequence change replaces proline, which is neutral and non-polar, with leucine, which is neutral and non-polar, at codon 1462 of the RAI1 protein (p.Pro1462Leu). This variant is present in population databases (no rsID available, gnomAD 0.03%). This variant has not been reported in the literature in individuals affected with RAI1-related conditions. ClinVar contains an entry for this variant (Variation ID: 2059021). Invitae Evidence Modeling of protein sequence and biophysical properties (such as structural, functional, and spatial information, amino acid conservation, physicochemical variation, residue mobility, and thermodynamic stability) indicates that this missense variant is not expected to disrupt RAI1 protein function with a negative predictive value of 80%. In summary, the available evidence is currently insufficient to determine the role of this variant in disease. Therefore, it has been classified as a Variant of Uncertain Significance.

PreventionGenetics, part of Exact Sciences
Classification: Uncertain significance for RAI1-related condition. Last evaluated: 2024-03-25. Review status: no assertion criteria provided. Collection method: clinical testing. Allele origin: germline. Not counted in ClinVar's aggregate classification.
Comment: The RAI1 c.4385C>T variant is predicted to result in the amino acid substitution p.Pro1462Leu. To our knowledge, this variant has not been reported in the literature. This variant is reported in 0.020% of alleles in individuals of Ashkenazi Jewish descent in gnomAD. Although we suspect that this variant may be benign, at this time, the clinical significance of this variant is uncertain due to the absence of conclusive functional and genetic evidence.